The following is an entry in ClinVar:

ClinVar aggregate classification (germline): Uncertain significance. Review status: criteria provided, multiple submitters, no conflicts (2 of 4 stars). 2 submissions from 2 submitters: Uncertain significance (2). Last evaluated 2024-06-19.

Conditions:
Inborn genetic diseases. Identifiers: MedGen C0950123, MeSH D030342.
Congenital myasthenic syndrome 4A. Also called: CONGENITAL MYASTHENIC SYNDROME TYPE Ia1; MYASTHENIC SYNDROME, CONGENITAL, 4A, SLOW-CHANNEL, AUTOSOMAL RECESSIVE; Myasthenic syndrome, congenital, 4a, slow-channel. Identifiers: Orphanet 590, MedGen C4225413, MONDO:0011600, OMIM 605809.

gnomAD v4.1: 2 of 1,552,982 alleles (0.00013%); highest among the groups gnomAD compares: Admixed American, 0.0019%; no homozygotes.

Submissions (2):

Ambry Genetics
Classification: Uncertain significance for Inborn genetic diseases. Last evaluated: 2024-06-19. Review status: criteria provided, single submitter. Criteria: Ambry Variant Classification Scheme 2023. Collection method: clinical testing. Allele origin: germline.

Labcorp Genetics (formerly Invitae), Labcorp
Classification: Uncertain significance for Congenital myasthenic syndrome 4A. Last evaluated: 2022-12-07. Review status: criteria provided, single submitter. Criteria: Invitae Variant Classification Sherloc (09022015). Collection method: clinical testing. Allele origin: germline.
Comment: This sequence change replaces alanine, which is neutral and non-polar, with aspartic acid, which is acidic and polar, at codon 362 of the CHRNE protein (p.Ala362Asp). The frequency data for this variant in the population databases is considered unreliable, as metrics indicate poor data quality at this position in the gnomAD database. This variant has not been reported in the literature in individuals affected with CHRNE-related conditions. Advanced modeling of protein sequence and biophysical properties (such as structural, functional, and spatial information, amino acid conservation, physicochemical variation, residue mobility, and thermodynamic stability) performed at Invitae indicates that this missense variant is not expected to disrupt CHRNE protein function. In summary, the available evidence is currently insufficient to determine the role of this variant in disease. Therefore, it has been classified as a Variant of Uncertain Significance.

NM_000080.4(CHRNE):c.1085C>A (p.Ala362Asp)

Genes: CHRNE (cholinergic receptor nicotinic epsilon subunit; minus strand), LOC130060041 (ATAC-STARR-seq lymphoblastoid silent region 8050; plus strand). Cytogenetic location: 17p13.2.
Variant type: single nucleotide variant.
Coding change: c.1085C>A on transcript NM_000080.4 (MANE Select); coding-DNA position 1085, C replaced by A.
Protein change: p.Ala362Asp; replaces alanine 362 with aspartic acid.
Molecular consequence: missense variant.
Genome position (GRCh38, 1-based): chr17:4,899,332, G>T on the plus strand (C>A on the coding strand, the complement: CHRNE is on the minus strand). VCF-style: chr17-4899332-G-T. GRCh37 (hg19) VCF-style: chr17-4802627-G-T.
Other names: c.1085C>A (NM_000080.3); short protein forms A362D.
Identifiers: ClinVar variation 2892495 (VCV002892495.4), dbSNP rs1053507936, ClinGen allele CA397300602.